The following is an entry in ClinVar:

NC_000023.10:g.(?_48549478)_(48549573_?)dup

Gene: WAS (WASP actin nucleation promoting factor; plus strand). Cytogenetic location: Xp11.23.
Variant type: Duplication.
Identifiers: ClinVar variation 831887 (VCV000831887.5).

ClinVar aggregate classification (germline): Uncertain significance (1 of 4 stars; one submission).

Conditions:
Wiskott-Aldrich syndrome (WAS). Also called: ALDRICH SYNDROME; IMMUNODEFICIENCY 2; Wiskott-aldrich syndrome, somatic; WISKOTT-ALDRICH SYNDROME 1. Identifiers: Orphanet 906, MedGen C0043194, MONDO:0010518, OMIM 301000.
X-linked severe congenital neutropenia (SCNX). Identifiers: Orphanet 86788, MedGen C1845987, MONDO:0010294, OMIM 300299.
Thrombocytopenia 1. Also called: X-Linked Thrombocytopenia (XLT); X-linked thrombocytopenia with normal platelets; THROMBOCYTOPENIA, X-LINKED, 1. Identifiers: Orphanet 268322, Orphanet 852, MedGen C1839163, MONDO:0010743, OMIM 313900.

Submission:

Labcorp Genetics (formerly Invitae), Labcorp
Classification: Uncertain significance for Wiskott-Aldrich syndrome; X-linked severe congenital neutropenia; Thrombocytopenia 1. Last evaluated: 2019-04-15. Review status: criteria provided, single submitter. Criteria: Invitae Variant Classification Sherloc (09022015). Collection method: clinical testing. Allele origin: germline.
Comment: This variant results in a copy number gain of the genomic region encompassing exon 12 of the WAS gene. The 5' boundary is likely confined to intron 11. The 3' end of this event is unknown as it extends beyond the assayed region for this gene and therefore may encompass additional genes. As the precise location of this event is unknown, it may be in tandem or it may be located elsewhere in the genome. This variant has not been reported in the literature in individuals with WAS-related conditions. In summary, the available evidence is currently insufficient to determine the role of this variant in disease. Therefore, it has been classified as a Variant of Uncertain Significance.